The following is an entry in ClinVar:

NM_032208.3(ANTXR1):c.1375G>A (p.Val459Ile)

Gene: ANTXR1 (ANTXR cell adhesion molecule 1; plus strand). Cytogenetic location: 2p13.3.
Variant type: single nucleotide variant.
Coding change: c.1375G>A on transcript NM_032208.3 (MANE Select); coding-DNA position 1375, G replaced by A.
Protein change: p.Val459Ile; replaces valine 459 with isoleucine.
Molecular consequence: missense variant.
Genome position (GRCh38, 1-based): chr2:69,193,356, G>A. VCF-style: chr2-69193356-G-A. GRCh37 (hg19) VCF-style: chr2-69420488-G-A.
Other names: short protein forms V459I.
Identifiers: ClinVar variation 2091199 (VCV002091199.4), dbSNP rs1674587364, ClinGen allele CA347133962.

ClinVar aggregate classification (germline): Uncertain significance (1 of 4 stars; one submission).

Allele frequency attached by ClinVar (database versions not stated): gnomAD exomes below 0.00001.
gnomAD v4.1: 5 of 1,613,958 alleles (0.00031%); highest among the groups gnomAD compares: South Asian, 0.0033%; no homozygotes.

Submission:

Labcorp Genetics (formerly Invitae), Labcorp
Classification: Uncertain significance. Last evaluated: 2024-12-02. Review status: criteria provided, single submitter. Criteria: Invitae Variant Classification Sherloc (09022015). Collection method: clinical testing. Allele origin: germline.
Comment: This sequence change replaces valine, which is neutral and non-polar, with isoleucine, which is neutral and non-polar, at codon 459 of the ANTXR1 protein (p.Val459Ile). This variant is not present in population databases (gnomAD no frequency). This variant has not been reported in the literature in individuals affected with ANTXR1-related conditions. ClinVar contains an entry for this variant (Variation ID: 2091199). Invitae Evidence Modeling of protein sequence and biophysical properties (such as structural, functional, and spatial information, amino acid conservation, physicochemical variation, residue mobility, and thermodynamic stability) indicates that this missense variant is not expected to disrupt ANTXR1 protein function with a negative predictive value of 80%. In summary, the available evidence is currently insufficient to determine the role of this variant in disease. Therefore, it has been classified as a Variant of Uncertain Significance.